The following is an entry in ClinVar:

NM_004168.4(SDHA):c.456+20G>C

Gene: SDHA (succinate dehydrogenase complex flavoprotein subunit A; plus strand). Cytogenetic location: 5p15.33.
Variant type: single nucleotide variant.
Coding change: c.456+20G>C on transcript NM_004168.4 (MANE Select); 20 bases into the intron after coding-DNA position 456, G replaced by C.
Molecular consequence: intron variant.
Genome position (GRCh38, 1-based): chr5:225,582, G>C. VCF-style: chr5-225582-G-C. GRCh37 (hg19) VCF-style: chr5-225697-G-C.
Other names: c.456+20G>C (NM_004168.3, NM_001330758.2); c.313-301G>C (NM_001294332.2).
Identifiers: ClinVar variation 259246 (VCV000259246.32), dbSNP rs193283468, ClinGen allele CA3172834.
Genomic context (GRCh38, chr5:225,582, plus strand): 5'-TCCACTACATGACGGAGCAGGCCCCCGCCGCCGTGGTCGAGGTGATGGGCGGGAGGCTCT[G>C]GGTGTTCTCGTGGTCTGTTTCTAGTACAAAAGAATCCTGGAAAAAAATGTAAGCAATTGA-3'

ClinVar aggregate classification (germline): Benign. Review status: criteria provided, multiple submitters, no conflicts (2 of 4 stars). 12 submissions from 12 submitters: Benign (9). 3 of the submissions do not count toward it. Last evaluated 2026-06-01.

Conditions:
Hereditary cancer-predisposing syndrome. Also called: Tumor predisposition; Hereditary Cancer Syndrome; Neoplastic Syndromes, Hereditary; Hereditary neoplastic syndrome. Identifiers: Orphanet 140162, MedGen C0027672, MeSH D009386, MONDO:0015356.
Pheochromocytoma/paraganglioma syndrome 5. Also called: Paragangliomas 5; SDHA-Related Hereditary Paraganglioma-Pheochromocytoma Syndrome. Identifiers: Orphanet 29072, MedGen C3279992, MONDO:0013602, OMIM 614165.
Mitochondrial complex II deficiency, nuclear type 1. Also called: SUCCINATE CoQ REDUCTASE DEFICIENCY. Identifiers: Orphanet 3208, MedGen C5700310, MONDO:0100294, OMIM 252011.

Allele frequency attached by ClinVar (database versions not stated): 1000 Genomes Project 0.00359; gnomAD 0.00385 and 0.00429; TOPMed 0.00414; 1000 Genomes Project 30x 0.00437; ESP Exome Variant Server 0.00439; ExAC 0.00676; gnomAD exomes 0.00685.
gnomAD v4.1: 10,662 of 1,613,874 alleles (0.66%); highest among the groups gnomAD compares: South Asian, 2%; 82 homozygotes.

Submissions (12):

CeGaT Center for Human Genetics Tuebingen
Classification: Benign. Last evaluated: 2026-06-01. Review status: criteria provided, single submitter. Criteria: CeGaT Center For Human Genetics Tuebingen Variant Classification Criteria Version 2. Collection method: clinical testing. Allele origin: germline. Affected: yes. Observed: 1 variant allele.
Comment: SDHA: BS1, BS2

Labcorp Genetics (formerly Invitae), Labcorp
Classification: Benign for Pheochromocytoma/paraganglioma syndrome 5; Mitochondrial complex II deficiency, nuclear type 1. Last evaluated: 2026-02-03. Review status: criteria provided, single submitter. Criteria: Invitae Variant Classification Sherloc (09022015). Collection method: clinical testing. Allele origin: germline.

Center for Genomic Medicine, Rigshospitalet, Copenhagen University Hospital
Classification: Benign. Last evaluated: 2025-03-04. Review status: criteria provided, single submitter. Criteria: ACMG Guidelines, 2015. Collection method: clinical testing. Allele origin: germline.

ARUP Laboratories, Molecular Genetics and Genomics, ARUP Laboratories
Classification: Benign. Last evaluated: 2024-11-20. Review status: criteria provided, single submitter. Criteria: ARUP Molecular Germline Variant Investigation Process 2024. Collection method: clinical testing. Allele origin: germline.

KCCC/NGS Laboratory, Kuwait Cancer Control Center
Classification: Benign for Pheochromocytoma/paraganglioma syndrome 5. Last evaluated: 2023-07-07. Review status: criteria provided, single submitter. Criteria: ACMG Guidelines, 2015. Collection method: clinical testing. Allele origin: germline. Affected: yes.

GeneDx
Classification: Benign. Last evaluated: 2016-03-08. Review status: criteria provided, single submitter. Criteria: GeneDx Variant Classification (06012015). Collection method: clinical testing. Allele origin: germline. Affected: yes.
Comment: This variant is considered likely benign or benign based on one or more of the following criteria: it is a conservative change, it occurs at a poorly conserved position in the protein, it is predicted to be benign by multiple in silico algorithms, and/or has population frequency not consistent with disease.

Ambry Genetics
Classification: Benign for Hereditary cancer-predisposing syndrome. Last evaluated: 2015-07-06. Review status: criteria provided, single submitter. Criteria: Ambry Variant Classification Scheme 2023. Collection method: clinical testing. Allele origin: germline.

Breakthrough Genomics
Classification: Benign. Review status: criteria provided, single submitter. Criteria: ACMG Guidelines, 2015. Collection method: not provided. Allele origin: germline. Inheritance: Autosomal recessive inheritance. Affected: yes.

PreventionGenetics, part of Exact Sciences
Classification: Benign. Review status: criteria provided, single submitter. Criteria: ACMG Guidelines, 2015. Collection method: clinical testing. Allele origin: germline.

Diagnostic Laboratory, Department of Genetics, University Medical Center Groningen
Classification: Likely benign. Review status: no assertion criteria provided. Collection method: clinical testing. Allele origin: germline. Affected: yes. Study: VKGL Data-share Consensus. Not counted in ClinVar's aggregate classification.

Genome Diagnostics Laboratory, Amsterdam University Medical Center
Classification: Benign. Review status: no assertion criteria provided. Collection method: clinical testing. Allele origin: germline. Affected: yes. Study: VKGL Data-share Consensus. Not counted in ClinVar's aggregate classification.

Joint Genome Diagnostic Labs from Nijmegen and Maastricht, Radboudumc and MUMC+
Classification: Benign. Review status: no assertion criteria provided. Collection method: clinical testing. Allele origin: germline. Affected: yes. Study: VKGL Data-share Consensus. Not counted in ClinVar's aggregate classification.